The following is an entry in ClinVar:

NM_002017.5(FLI1):c.126C>T (p.Tyr42=)

Gene: FLI1 (Fli-1 proto-oncogene, ETS transcription factor; plus strand). Cytogenetic location: 11q24.3.
Variant type: single nucleotide variant.
Coding change: c.126C>T on transcript NM_002017.5 (MANE Select); coding-DNA position 126, C replaced by T.
Protein change: p.Tyr42=; no amino-acid change (tyrosine 42 retained).
Molecular consequence: synonymous variant. On other transcripts: 5 prime UTR variant (2).
Genome position (GRCh38, 1-based): chr11:128,758,222, C>T. VCF-style: chr11-128758222-C-T. GRCh37 (hg19) VCF-style: chr11-128628117-C-T.
Other names: p.Tyr42=; c.126C>T (NM_002017.3); c.27C>T, p.Tyr9= (NM_001167681.3, NM_001440369.1, NM_001440370.1 and 1 more transcripts); c.-244C>T (NM_001271010.2); c.-95C>T (NM_001271012.2); c.126C>T, p.Tyr42= (NM_001440372.1).
Identifiers: ClinVar variation 4683698 (VCV004683698.2).

ClinVar aggregate classification (germline): Likely benign. Review status: criteria provided, multiple submitters, no conflicts (2 of 4 stars). 2 submissions from 2 submitters: Likely benign (2). Last evaluated 2026-04-11.

Conditions:
Inborn genetic diseases. Identifiers: MedGen C0950123, MeSH D030342.

gnomAD v4.1: 21 of 1,613,142 alleles (0.0013%); highest among the groups gnomAD compares: South Asian, 0.0055%; no homozygotes.

Submissions (2):

Ambry Genetics
Classification: Likely benign for Inborn genetic diseases. Last evaluated: 2026-04-11. Review status: criteria provided, single submitter. Criteria: Ambry Variant Classification Scheme 2023. Collection method: clinical testing. Allele origin: germline.

Mayo Clinic Laboratories, Mayo Clinic
Classification: Likely benign. Last evaluated: 2024-12-04. Review status: criteria provided, single submitter. Criteria: ACMG Guidelines, 2015. Collection method: clinical testing. Allele origin: germline. Observed: 1 variant allele.
Comment: BP4, BP7